The following is an entry in ClinVar:

ClinVar aggregate classification (germline): Uncertain significance. Review status: criteria provided, multiple submitters, no conflicts (2 of 4 stars). 3 submissions from 3 submitters: Uncertain significance (3). Last evaluated 2023-09-26.

Allele frequency attached by ClinVar (database versions not stated): gnomAD exomes 0.00002 and 0.00003; gnomAD 0.00003; TOPMed 0.00004; ExAC 0.00005; ESP Exome Variant Server 0.00023.
gnomAD v4.1: 37 of 1,580,652 alleles (0.0023%); highest among the groups gnomAD compares: East Asian, 0.016%; no homozygotes.

Submissions (3):

Ambry Genetics
Classification: Uncertain significance. Last evaluated: 2023-09-26. Review status: criteria provided, single submitter. Criteria: Ambry Variant Classification Scheme 2023. Collection method: clinical testing. Allele origin: germline.

Labcorp Genetics (formerly Invitae), Labcorp
Classification: Uncertain significance. Last evaluated: 2023-08-17. Review status: criteria provided, single submitter. Criteria: Invitae Variant Classification Sherloc (09022015). Collection method: clinical testing. Allele origin: germline.
Comment: This variant has not been reported in the literature in individuals affected with MPC1-related conditions. In summary, the available evidence is currently insufficient to determine the role of this variant in disease. Therefore, it has been classified as a Variant of Uncertain Significance. An algorithm developed to predict the effect of missense changes on protein structure and function (PolyPhen-2) suggests that this variant is likely to be disruptive. ClinVar contains an entry for this variant (Variation ID: 214658). This variant is present in population databases (rs139163077, gnomAD 0.02%). This sequence change replaces threonine, which is neutral and polar, with methionine, which is neutral and non-polar, at codon 106 of the MPC1 protein (p.Thr106Met).

GeneDx
Classification: Uncertain significance. Last evaluated: 2017-04-06. Review status: criteria provided, single submitter. Criteria: GeneDx Variant Classification (06012015). Collection method: clinical testing. Allele origin: germline. Affected: yes.
Comment: p.Thr106Met (ACG>ATG): c.317 C>T in exon 5 of the MPC1 gene (NM_016098.3). The T106M variant has not been published as a mutation, nor has it been reported as a benign polymorphism to our knowledge. The T106M variant is a non-conservative amino acid substitution, which is likely to impact secondary protein structure as these residues differ in polarity, charge, size and/or other properties. This substitution occurs at a position that is not conserved across species. In silico analysis is inconsistent in its predictions as to whether or not the variant is damaging to the protein structure/function. Therefore, based on the currently available information, it is unclear whether this variant is a pathogenic mutation or a rare benign variant. The variant is found in MITONUC-MITOP panel(s).

NM_016098.4(MPC1):c.317C>T (p.Thr106Met)

Gene: MPC1 (mitochondrial pyruvate carrier 1; minus strand). Cytogenetic location: 6q27.
Variant type: single nucleotide variant.
Coding change: c.317C>T on transcript NM_016098.4 (MANE Select); coding-DNA position 317, C replaced by T.
Protein change: p.Thr106Met; replaces threonine 106 with methionine.
Molecular consequence: missense variant. On other transcripts: 3 prime UTR variant (1), non-coding transcript variant (5).
Genome position (GRCh38, 1-based): chr6:166,365,442, G>A on the plus strand (C>T on the coding strand, the complement: MPC1 is on the minus strand). VCF-style: chr6-166365442-G-A. GRCh37 (hg19) VCF-style: chr6-166778930-G-A.
Other names: p.T106M:ACG>ATG; c.188C>T, p.Thr63Met (NM_001270879.2, NM_001376565.1, NM_001376566.1 and 2 more transcripts); c.*54C>T (NM_001376569.1); c.317C>T (NM_016098.2); short protein forms T106M, T63M.
Identifiers: ClinVar variation 214658 (VCV000214658.10), dbSNP rs139163077, ClinGen allele CA320330.